The following is an entry in ClinVar:

ClinVar aggregate classification (germline): Benign/Likely benign. Review status: criteria provided, multiple submitters, no conflicts (2 of 4 stars). 4 submissions from 4 submitters: Benign (1); Likely benign (3). Last evaluated 2026-02-01.

Conditions:
Congenital myotonia, autosomal dominant form (THD). Also called: THOMSEN DISEASE; Myotonia congenita autosomal dominant. Identifiers: Orphanet 614, MedGen C2936781, MONDO:0008055, OMIM 160800.
Congenital myotonia, autosomal recessive form. Also called: myotonia congenita, autosomal recessive; BECKER DISEASE; Becker Generalized Myotonia. Identifiers: Orphanet 614, MedGen C0751360, MONDO:0009715, OMIM 255700.
Batten-Turner congenital myopathy. Also called: Myotonia congenita; Congenital myotonia. Identifiers: Orphanet 206973, MedGen C0027127, MONDO:0100468, OMIM 255300.

Allele frequency attached by ClinVar (database versions not stated): TOPMed 0.00039; 1000 Genomes Project 0.00040; ESP Exome Variant Server 0.00046; 1000 Genomes Project 30x 0.00047; gnomAD 0.00025.
gnomAD v4.1: 887 of 1,614,240 alleles (0.055%); highest among the groups gnomAD compares: Non-Finnish European, 0.071%; 2 homozygotes.

Submissions (4):

Labcorp Genetics (formerly Invitae), Labcorp
Classification: Likely benign for Congenital myotonia, autosomal recessive form; Congenital myotonia, autosomal dominant form. Last evaluated: 2026-02-01. Review status: criteria provided, single submitter. Criteria: Invitae Variant Classification Sherloc (09022015). Collection method: clinical testing. Allele origin: germline.

Athena Diagnostics
Classification: Likely benign. Last evaluated: 2025-01-21. Review status: criteria provided, single submitter. Criteria: Athena Diagnostics Criteria. Collection method: clinical testing. Allele origin: unknown.
Comment: Computational tools yielded predictions that this variant is unlikely to have an effect on normal RNA splicing. This nucleotide position exhibits low evolutionary conservation. This variant has been seen where an alternate explanation for disease was also identified.

Blueprint Genetics
Classification: Likely benign. Last evaluated: 2024-11-04. Review status: criteria provided, single submitter. Criteria: ACMG Guidelines, 2015. Collection method: clinical testing. Allele origin: germline.

Illumina Laboratory Services, Illumina
Classification: Benign for Myotonia congenita. Last evaluated: 2018-01-12. Review status: criteria provided, single submitter. Criteria: ICSL Variant Classification Criteria 13 December 2019. Collection method: clinical testing. Allele origin: germline.
Comment: This variant was observed in the ICSL laboratory as part of a predisposition screen in an ostensibly healthy population. It had not been previously curated by ICSL or reported in the Human Gene Mutation Database (HGMD: prior to June 1st, 2018), and was therefore a candidate for classification through an automated scoring system. Utilizing variant allele frequency, disease prevalence and penetrance estimates, and inheritance mode, an automated score was calculated to assess if this variant is too frequent to cause the disease. Based on the score and internal cut-off values, a variant classified as benign is not then subjected to further curation. The score for this variant resulted in a classification of benign for this disease.

NM_000083.3(CLCN1):c.563-9C>T

Gene: CLCN1 (chloride voltage-gated channel 1; plus strand). Cytogenetic location: 7q34.
Variant type: single nucleotide variant.
Coding change: c.563-9C>T on transcript NM_000083.3 (MANE Select); 9 bases into the intron before coding-DNA position 563, C replaced by T.
Molecular consequence: intron variant.
Genome position (GRCh38, 1-based): chr7:143,321,706, C>T. VCF-style: chr7-143321706-C-T. GRCh37 (hg19) VCF-style: chr7-143018799-C-T.
Identifiers: ClinVar variation 359102 (VCV000359102.17), dbSNP rs201404573, ClinGen allele CA4536999.